The following is an entry in ClinVar:

ClinVar aggregate classification (germline): Uncertain significance (1 of 4 stars; one submission).

Conditions:
NARS1-related disorder. Also called: NARS1-related condition.

Allele frequency attached by ClinVar (database versions not stated): gnomAD exomes below 0.00001; TOPMed 0.00002.
gnomAD v4.1: 1 of 1,614,080 alleles (0.000062%); highest among the groups gnomAD compares: Non-Finnish European, 0.000085%; no homozygotes.

Submission:

PreventionGenetics, part of Exact Sciences
Classification: Uncertain significance for NARS1-related condition. Last evaluated: 2023-03-16. Review status: criteria provided, single submitter. Criteria: ACMG Guidelines, 2015. Collection method: clinical testing. Allele origin: germline.
Comment: The NARS1 c.535G>A variant is predicted to result in the amino acid substitution p.Val179Ile. To our knowledge, this variant has not been reported in the literature or in a large population database, indicating this variant is rare. At this time, the clinical significance of this variant is uncertain due to the absence of conclusive functional and genetic evidence.

NM_004539.4(NARS1):c.535G>A (p.Val179Ile)

Gene: NARS1 (asparaginyl-tRNA synthetase 1; minus strand). Cytogenetic location: 18q21.31.
Variant type: single nucleotide variant.
Coding change: c.535G>A on transcript NM_004539.4 (MANE Select); coding-DNA position 535, G replaced by A.
Protein change: p.Val179Ile; replaces valine 179 with isoleucine.
Molecular consequence: missense variant.
Genome position (GRCh38, 1-based): chr18:57,609,401, C>T on the plus strand (G>A on the coding strand, the complement: NARS1 is on the minus strand). VCF-style: chr18-57609401-C-T. GRCh37 (hg19) VCF-style: chr18-55276633-C-T.
Other names: short protein forms V179I.
Identifiers: ClinVar variation 2633360 (VCV002633360.1), dbSNP rs1201537382, ClinGen allele CA402550218.